The following is an entry in ClinVar:

ClinVar aggregate classification (germline): Uncertain significance (1 of 4 stars; one submission).

Conditions:
46,XY sex reversal 7. Also called: GONADAL DYSGENESIS, XY, MALE-LIMITED; 46,XY SEX REVERSAL, PARTIAL OR COMPLETE, DHH-RELATED; DHH-Related 46,XY complete gonadal dysgenesis; 46,XY GONADAL DYSGENESIS, PARTIAL OR COMPLETE, DHH-RELATED. Identifiers: Orphanet 242, MedGen C1856273, MONDO:0009301, OMIM 233420.

Submission:

Neuberg Centre For Genomic Medicine, NCGM
Classification: Uncertain significance for 46,XY sex reversal 7. Last evaluated: 2023-05-20. Review status: criteria provided, single submitter. Criteria: ACMG Guidelines, 2015. Collection method: clinical testing. Allele origin: germline. Inheritance: Autosomal recessive inheritance. Affected: yes.
Comment: The missense c.803C>T (p.Thr268Met) variant in the DHH gene has not been reported previously as a pathogenic variant nor as a benign variant, to our knowledge. This variant is reported with the allele frequency (0.0006%) in the gnomAD Exomes. The amino acid Threonine at position 268 is changed to a Methionine changing protein sequence and it might alter its composition and physico-chemical properties. Multiple lines of computational evidence (Polyphen - Damaging, SIFT – Damaging and MutationTaster - Disease causing) predict a damaging effect on protein structure and function for this variant. The amino acid change p.Thr268Met in DHH is predicted as conserved by GERP++ and PhyloP across 100 vertebrates. For these reasons, this variant has been classified as Uncertain Significance.

NM_021044.4(DHH):c.803C>T (p.Thr268Met)

Gene: DHH (desert hedgehog signaling molecule; minus strand). Cytogenetic location: 12q13.12.
Variant type: single nucleotide variant.
Coding change: c.803C>T on transcript NM_021044.4 (MANE Select); coding-DNA position 803, C replaced by T.
Protein change: p.Thr268Met; replaces threonine 268 with methionine.
Molecular consequence: missense variant.
Genome position (GRCh38, 1-based): chr12:49,090,247, G>A on the plus strand (C>T on the coding strand, the complement: DHH is on the minus strand). VCF-style: chr12-49090247-G-A. GRCh37 (hg19) VCF-style: chr12-49484030-G-A.
Other names: short protein forms T268M.
Identifiers: ClinVar variation 3341393 (VCV003341393.1).
Genomic context (GRCh38, chr12:49,090,247, plus strand): 5'-GGTGCAAAGTCGCCTGGCGCGGGCGCCGGCCCTCGAGCGGCAAACACCAGGTGCCAGGGC[G>A]TGAGCAACAGTTTGCGTGGAGGCCACTCGGTCTCCACAGCCACAAATGAAGCCCGGCGCT-3'
Protein context (NP_066382.1, residues 258-278): TEWPPRKLLL[Thr268Met]PWHLVFAARG